The following is an entry in ClinVar:

ClinVar aggregate classification (germline): Uncertain significance. Review status: criteria provided, multiple submitters, no conflicts (2 of 4 stars). 2 submissions from 2 submitters: Uncertain significance (2). Last evaluated 2022-11-30.

Conditions:
Inborn genetic diseases. Identifiers: MedGen C0950123, MeSH D030342.

Allele frequency attached by ClinVar (database versions not stated): gnomAD exomes 0.00001 and 0.00002; ExAC 0.00003; gnomAD 0.00003.

Submissions (2):

Ambry Genetics
Classification: Uncertain significance for Inborn genetic diseases. Last evaluated: 2022-11-30. Review status: criteria provided, single submitter. Criteria: Ambry Variant Classification Scheme 2023. Collection method: clinical testing. Allele origin: germline.

Labcorp Genetics (formerly Invitae), Labcorp
Classification: Uncertain significance. Last evaluated: 2022-11-22. Review status: criteria provided, single submitter. Criteria: Invitae Variant Classification Sherloc (09022015). Collection method: clinical testing. Allele origin: germline.
Comment: The frequency data for this variant in the population databases is considered unreliable, as metrics indicate poor data quality at this position in the gnomAD database. In summary, the available evidence is currently insufficient to determine the role of this variant in disease. Therefore, it has been classified as a Variant of Uncertain Significance. Advanced modeling of protein sequence and biophysical properties (such as structural, functional, and spatial information, amino acid conservation, physicochemical variation, residue mobility, and thermodynamic stability) performed at Invitae indicates that this missense variant is not expected to disrupt SLC6A19 protein function. ClinVar contains an entry for this variant (Variation ID: 1472924). This variant has not been reported in the literature in individuals affected with SLC6A19-related conditions. This sequence change replaces glutamic acid, which is acidic and polar, with lysine, which is basic and polar, at codon 157 of the SLC6A19 protein (p.Glu157Lys).

NM_001003841.3(SLC6A19):c.469G>A (p.Glu157Lys)

Gene: SLC6A19 (solute carrier family 6 member 19; plus strand). Cytogenetic location: 5p15.33.
Variant type: single nucleotide variant.
Coding change: c.469G>A on transcript NM_001003841.3 (MANE Select); coding-DNA position 469, G replaced by A.
Protein change: p.Glu157Lys; replaces glutamic acid 157 with lysine.
Molecular consequence: missense variant.
Genome position (GRCh38, 1-based): chr5:1,210,569, G>A. VCF-style: chr5-1210569-G-A. GRCh37 (hg19) VCF-style: chr5-1210684-G-A.
Other names: c.469G>A (NM_001003841.2); short protein forms E157K.
Identifiers: ClinVar variation 1472924 (VCV001472924.5), dbSNP rs761571015, ClinGen allele CA3182709.
Genomic context (GRCh38, chr5:1,210,569, plus strand): 5'-ATGTGGTACTTATTCAACTCCTTCCAGGAGCCTCTGCCCTGGAGCGACTGCCCGCTCAAC[G>A]AGAACCAGACAGGTGAGTCCTTGCAAGCAGCCCCATCCGTCTCACCTGTGAGGCTGTTGT-3'
Protein context (NP_001003841.1, residues 147-167): PLPWSDCPLN[Glu157Lys]NQTGYVDECA